The following is an entry in ClinVar:

NM_206926.2(SELENON):c.1006A>T (p.Thr336Ser)

Gene: SELENON (selenoprotein N; plus strand). Cytogenetic location: 1p36.11.
Variant type: single nucleotide variant.
Coding change: c.1006A>T on transcript NM_206926.2 (MANE Select); coding-DNA position 1006, A replaced by T.
Protein change: p.Thr336Ser; replaces threonine 336 with serine.
Molecular consequence: missense variant.
Genome position (GRCh38, 1-based): chr1:25,811,706, A>T. VCF-style: chr1-25811706-A-T. GRCh37 (hg19) VCF-style: chr1-26138197-A-T.
Other names: c.1108A>T, p.Thr370Ser (NM_020451.3); short protein forms T336S, T370S.
Identifiers: ClinVar variation 2132216 (VCV002132216.22), dbSNP rs754413602, ClinGen allele CA696765.

ClinVar aggregate classification (germline): Uncertain significance. Review status: criteria provided, multiple submitters, no conflicts (2 of 4 stars). 2 submissions from 2 submitters: Uncertain significance (2). Last evaluated 2024-06-01.

Conditions:
Eichsfeld type congenital muscular dystrophy (CMYO3). Also called: MYOPATHY, SEPN1-RELATED; SELENON-related myopathy; Congenital myopathy 3 with rigid spine; Rigid spine muscular dystrophy 1. Identifiers: MedGen C0410180, MONDO:0100100, OMIM 602771.

Allele frequency attached by ClinVar (database versions not stated): gnomAD 0.00001; ExAC 0.00008.
gnomAD v4.1: 26 of 1,609,410 alleles (0.0016%); highest among the groups gnomAD compares: South Asian, 0.028%; 1 homozygote.

Submissions (2):

CeGaT Center for Human Genetics Tuebingen
Classification: Uncertain significance. Last evaluated: 2024-06-01. Review status: criteria provided, single submitter. Criteria: CeGaT Center For Human Genetics Tuebingen Variant Classification Criteria Version 2. Collection method: clinical testing. Allele origin: germline. Affected: yes. Observed: 1 variant allele.
Comment: SELENON: PM2, BP4

Labcorp Genetics (formerly Invitae), Labcorp
Classification: Uncertain significance for Eichsfeld type congenital muscular dystrophy. Last evaluated: 2022-05-09. Review status: criteria provided, single submitter. Criteria: Invitae Variant Classification Sherloc (09022015). Collection method: clinical testing. Allele origin: germline.
Comment: In summary, the available evidence is currently insufficient to determine the role of this variant in disease. Therefore, it has been classified as a Variant of Uncertain Significance. Algorithms developed to predict the effect of missense changes on protein structure and function (SIFT, PolyPhen-2, Align-GVGD) all suggest that this variant is likely to be tolerated. This variant has not been reported in the literature in individuals affected with SELENON-related conditions. This variant is present in population databases (rs754413602, gnomAD 0.03%). This sequence change replaces threonine, which is neutral and polar, with serine, which is neutral and polar, at codon 370 of the SELENON protein (p.Thr370Ser).